The following is an entry in ClinVar:

ClinVar aggregate classification (germline): Uncertain significance. Review status: criteria provided, multiple submitters, no conflicts (2 of 4 stars). 2 submissions from 2 submitters: Uncertain significance (2). Last evaluated 2025-05-19.

Conditions:
Hypertrophic cardiomyopathy. Also called: HYPERTROPHIC MYOCARDIOPATHY. Identifiers: Orphanet 217569, MedGen C0007194, MeSH D002312, MONDO:0005045, HP:0001639.

Submissions (2):

Labcorp Genetics (formerly Invitae), Labcorp
Classification: Uncertain significance for Hypertrophic cardiomyopathy. Last evaluated: 2025-05-19. Review status: criteria provided, single submitter. Criteria: Invitae Variant Classification Sherloc (09022015). Collection method: clinical testing. Allele origin: germline.
Comment: This sequence change replaces serine, which is neutral and polar, with arginine, which is basic and polar, at codon 148 of the MYH7 protein (p.Ser148Arg). This variant is not present in population databases (gnomAD no frequency). This variant has not been reported in the literature in individuals affected with MYH7-related conditions. ClinVar contains an entry for this variant (Variation ID: 393205). Invitae Evidence Modeling of protein sequence and biophysical properties (such as structural, functional, and spatial information, amino acid conservation, physicochemical variation, residue mobility, and thermodynamic stability) indicates that this missense variant is expected to disrupt MYH7 protein function with a positive predictive value of 95%. This variant is found within a region of MYH7 between codons 181 and 937 that contains the majority of the myosin head domain. Missense variants in this region have been shown to be significantly overrepresented in individuals with hypertrophic cardiomyopathy (PMID: 27532257). In summary, the available evidence is currently insufficient to determine the role of this variant in disease. Therefore, it has been classified as a Variant of Uncertain Significance.

GeneDx
Classification: Uncertain significance. Last evaluated: 2019-11-21. Review status: criteria provided, single submitter. Criteria: GeneDx Variant Classification Process June 2021. Collection method: clinical testing. Allele origin: germline. Affected: yes.
Comment: Not observed in large population cohorts (Lek et al., 2016); Has not been previously published as pathogenic or benign to our knowledge

Literature cited by the submitters: PubMed 27532257 (cited by Labcorp Genetics (formerly Invitae), Labcorp).

NM_000257.4(MYH7):c.444C>G (p.Ser148Arg)

Gene: MYH7 (myosin heavy chain 7; minus strand). Cytogenetic location: 14q11.2.
Variant type: single nucleotide variant.
Coding change: c.444C>G on transcript NM_000257.4 (MANE Select); coding-DNA position 444, C replaced by G.
Protein change: p.Ser148Arg; replaces serine 148 with arginine.
Molecular consequence: missense variant.
Genome position (GRCh38, 1-based): chr14:23,432,697, G>C on the plus strand (C>G on the coding strand, the complement: MYH7 is on the minus strand). VCF-style: chr14-23432697-G-C. GRCh37 (hg19) VCF-style: chr14-23901906-G-C.
Other names: c.444C>G (LRG_384t1); short protein forms S148R.
Identifiers: ClinVar variation 393205 (VCV000393205.10), dbSNP rs374466146, ClinGen allele CA16606540.